The following is an entry in ClinVar:

ClinVar aggregate classification (germline): Uncertain significance. Review status: criteria provided, multiple submitters, no conflicts (2 of 4 stars). 2 submissions from 2 submitters: Uncertain significance (2). Last evaluated 2025-09-02.

Allele frequency attached by ClinVar (database versions not stated): gnomAD exomes 0.00002 and 0.00004; gnomAD 0.00003 and 0.00004; ExAC 0.00006; TOPMed 0.00006.

Submissions (2):

Labcorp Genetics (formerly Invitae), Labcorp
Classification: Uncertain significance. Last evaluated: 2025-09-02. Review status: criteria provided, single submitter. Criteria: Invitae Variant Classification Sherloc (09022015). Collection method: clinical testing. Allele origin: germline.
Comment: This sequence change replaces glycine, which is neutral and non-polar, with serine, which is neutral and polar, at codon 387 of the CAD protein (p.Gly387Ser). This variant is present in population databases (rs746195460, gnomAD 0.02%). This variant has not been reported in the literature in individuals affected with CAD-related conditions. ClinVar contains an entry for this variant (Variation ID: 1511201). Invitae Evidence Modeling of protein sequence and biophysical properties (such as structural, functional, and spatial information, amino acid conservation, physicochemical variation, residue mobility, and thermodynamic stability) indicates that this missense variant is not expected to disrupt CAD protein function with a negative predictive value of 80%. In summary, the available evidence is currently insufficient to determine the role of this variant in disease. Therefore, it has been classified as a Variant of Uncertain Significance.

GeneDx
Classification: Uncertain significance. Last evaluated: 2025-04-07. Review status: criteria provided, single submitter. Criteria: GeneDx Variant Classification Process June 2021. Collection method: clinical testing. Allele origin: germline. Affected: yes.
Comment: Identified in a patient with a features suggestive of CAD deficiency, however detailed clinical information was not provided (PMID: 32461667); In silico analysis indicates that this missense variant does not alter protein structure/function; This variant is associated with the following publications: (PMID: 35242569, 32461667)

NM_004341.5(CAD):c.1159G>A (p.Gly387Ser)

Gene: CAD (carbamoyl-phosphate synthetase 2, aspartate transcarbamylase, and dihydroorotase; plus strand). Cytogenetic location: 2p23.3.
Variant type: single nucleotide variant.
Coding change: c.1159G>A on transcript NM_004341.5 (MANE Select); coding-DNA position 1159, G replaced by A.
Protein change: p.Gly387Ser; replaces glycine 387 with serine.
Molecular consequence: missense variant.
Genome position (GRCh38, 1-based): chr2:27,224,395, G>A. VCF-style: chr2-27224395-G-A. GRCh37 (hg19) VCF-style: chr2-27447263-G-A.
Other names: c.1159G>A, p.Gly387Ser (NM_001306079.2); c.1159G>A (NM_004341.3); short protein forms G387S.
Identifiers: ClinVar variation 1511201 (VCV001511201.6), dbSNP rs746195460, ClinGen allele CA1572636.